The following is an entry in ClinVar:

ClinVar aggregate classification (germline): Uncertain significance (1 of 4 stars; one submission).

gnomAD v4.1: 1 of 1,607,396 alleles (0.000062%); no homozygotes.

Submission:

GeneDx
Classification: Uncertain significance. Last evaluated: 2024-10-29. Review status: criteria provided, single submitter. Criteria: GeneDx Variant Classification Process June 2021. Collection method: clinical testing. Allele origin: germline. Affected: yes.
Comment: In silico analysis supports that this missense variant has a deleterious effect on protein structure/function; Has not been previously published as pathogenic or benign to our knowledge; Not observed at significant frequency in large population cohorts (gnomAD)

NM_052988.5(CDK10):c.239C>T (p.Pro80Leu)

Gene: CDK10 (cyclin dependent kinase 10; plus strand). Cytogenetic location: 16q24.3.
Variant type: single nucleotide variant.
Coding change: c.239C>T on transcript NM_052988.5 (MANE Select); coding-DNA position 239, C replaced by T.
Protein change: p.Pro80Leu; replaces proline 80 with leucine.
Molecular consequence: missense variant. On other transcripts: non-coding transcript variant (2).
Genome position (GRCh38, 1-based): chr16:89,691,449, C>T. VCF-style: chr16-89691449-C-T. GRCh37 (hg19) VCF-style: chr16-89757857-C-T.
Other names: c.26C>T, p.Pro9Leu (NM_001098533.3, NM_001160367.2, NM_052987.4); short protein forms P80L, P9L.
Identifiers: ClinVar variation 3897243 (VCV003897243.1).
Genomic context (GRCh38, chr16:89,691,449, plus strand): 5'-GGGCTTCCCCGCCATCACTGGGGTGGGGCTCGCTGAGGCCACCTCCCTCCCCAGGCATCC[C>T]CATCAGCAGCTTGCGGGAGATCACGCTGCTGCTCCGCCTGCGTCATCCGAACATCGTGGA-3'
Protein context (NP_443714.3, residues 70-90): VRMDKEKDGI[Pro80Leu]ISSLREITLL